The following is an entry in ClinVar:

ClinVar aggregate classification (germline): Pathogenic (1 of 4 stars; one submission).

Conditions:
Duchenne muscular dystrophy (DMD). Also called: Duchenne Muscular Dystrophy (DMD); MUSCULAR DYSTROPHY, PSEUDOHYPERTROPHIC PROGRESSIVE, DUCHENNE TYPE. Identifiers: Orphanet 98896, MedGen C0013264, MONDO:0010679, OMIM 310200.

Submission:

Labcorp Genetics (formerly Invitae), Labcorp
Classification: Pathogenic for Duchenne muscular dystrophy. Last evaluated: 2022-06-12. Review status: criteria provided, single submitter. Criteria: Invitae Variant Classification Sherloc (09022015). Collection method: clinical testing. Allele origin: germline.
Comment: This variant is a gross deletion of the genomic region encompassing exon(s) 22-29 of the DMD gene. This deletion is out-of-frame, and is expected to create a premature termination codon and result in an absent or disrupted protein product. Loss-of-function variants in DMD are known to be pathogenic (PMID: 16770791, 25007885). A similar copy number variant has been observed in individuals with dystrophinopathies (PMID: 22090376, 22223181, 31705731). This variant is also known as c.2804-?_4071+?del. For these reasons, this variant has been classified as Pathogenic.

Literature cited by the submitters: PubMed 16770791; PubMed 25007885; PubMed 22090376; PubMed 22223181; PubMed 31705731.

NC_000023.10:g.(?_32456338)_(32490446_?)del

Gene: DMD (dystrophin; minus strand). Cytogenetic location: Xp21.1.
Variant type: Deletion.
Identifiers: ClinVar variation 2424828 (VCV002424828.4).